The following is an entry in ClinVar:

NM_001376.5(DYNC1H1):c.4176T>C (p.Gly1392=)

Gene: DYNC1H1 (dynein cytoplasmic 1 heavy chain 1; plus strand). Cytogenetic location: 14q32.31.
Variant type: single nucleotide variant.
Coding change: c.4176T>C on transcript NM_001376.5 (MANE Select); coding-DNA position 4176, T replaced by C.
Protein change: p.Gly1392=; no amino-acid change (glycine 1392 retained).
Molecular consequence: synonymous variant.
Genome position (GRCh38, 1-based): chr14:102,001,055, T>C. VCF-style: chr14-102001055-T-C. GRCh37 (hg19) VCF-style: chr14-102467392-T-C.
Identifiers: ClinVar variation 539793 (VCV000539793.37), dbSNP rs112261870, ClinGen allele CA7352181.

ClinVar aggregate classification (germline): Likely benign. Review status: criteria provided, multiple submitters, no conflicts (2 of 4 stars). 5 submissions from 5 submitters: Likely benign (4). 1 of the submissions does not count toward it. Last evaluated 2025-09-02.

Conditions:
DYNC1H1-related disorder. Also called: DYNC1H1-related condition; DYNC1H1-related disorders. Identifiers: MedGen CN381529.
Charcot-Marie-Tooth disease axonal type 2O. Also called: Charcot-Marie-Tooth Neuropathy Type 2O; CHARCOT-MARIE-TOOTH NEUROPATHY, AXONAL, TYPE 2O; CHARCOT-MARIE-TOOTH DISEASE, AXONAL, AUTOSOMAL DOMINANT, TYPE 2O; Charcot-Marie-Tooth disease, axonal, type 20. Identifiers: Orphanet 284232, MedGen C3280220, MONDO:0013644, OMIM 614228.
Charcot-Marie-Tooth disease. Also called: Charcot-Marie-Tooth Neuropathy; Charcot-Marie-Tooth Hereditary Neuropathy. Identifiers: Orphanet 166, MedGen C0007959, MONDO:0015626.

Allele frequency attached by ClinVar (database versions not stated): gnomAD exomes 0.00002 and 0.00005; ExAC 0.00006; TOPMed 0.00013; ESP Exome Variant Server 0.00015; gnomAD 0.00019 and 0.00020; 1000 Genomes Project 0.00040; 1000 Genomes Project 30x 0.00047.
gnomAD v4.1: 66 of 1,614,128 alleles (0.0041%); highest among the groups gnomAD compares: African/African-American, 0.053%; no homozygotes.

Submissions (5):

Labcorp Genetics (formerly Invitae), Labcorp
Classification: Likely benign for Charcot-Marie-Tooth disease axonal type 2O. Last evaluated: 2025-09-02. Review status: criteria provided, single submitter. Criteria: Invitae Variant Classification Sherloc (09022015). Collection method: clinical testing. Allele origin: germline.

CeGaT Center for Human Genetics Tuebingen
Classification: Likely benign. Last evaluated: 2022-07-01. Review status: criteria provided, single submitter. Criteria: CeGaT Center For Human Genetics Tuebingen Variant Classification Criteria Version 2. Collection method: clinical testing. Allele origin: germline. Affected: yes. Observed: 1 variant allele.
Comment: DYNC1H1: BP4, BP7

Blueprint Genetics
Classification: Likely benign. Last evaluated: 2022-06-09. Review status: criteria provided, single submitter. Criteria: ACMG Guidelines, 2015. Collection method: clinical testing. Allele origin: germline.

Molecular Genetics Laboratory, London Health Sciences Centre
Classification: Likely benign for Charcot-Marie-Tooth disease. Review status: criteria provided, single submitter. Criteria: ACMG Guidelines, 2015. Collection method: clinical testing. Allele origin: germline. Affected: yes.

PreventionGenetics, part of Exact Sciences
Classification: Likely benign for DYNC1H1-related condition. Last evaluated: 2019-03-21. Review status: no assertion criteria provided. Collection method: clinical testing. Allele origin: germline. Not counted in ClinVar's aggregate classification.
Comment: This variant is classified as likely benign based on ACMG/AMP sequence variant interpretation guidelines (Richards et al. 2015 PMID: 25741868, with internal and published modifications).